The following is an entry in ClinVar:

ClinVar aggregate classification (germline): Uncertain significance (1 of 4 stars; one submission).

Allele frequency attached by ClinVar (database versions not stated): gnomAD exomes below 0.00001.
gnomAD v4.1: 1 of 1,614,142 alleles (0.000062%); highest among the groups gnomAD compares: Non-Finnish European, 0.000085%; no homozygotes.

Submission:

Labcorp Genetics (formerly Invitae), Labcorp
Classification: Uncertain significance. Last evaluated: 2021-07-26. Review status: criteria provided, single submitter. Criteria: Invitae Variant Classification Sherloc (09022015). Collection method: clinical testing. Allele origin: germline.
Comment: In summary, the available evidence is currently insufficient to determine the role of this variant in disease. Therefore, it has been classified as a Variant of Uncertain Significance. Algorithms developed to predict the effect of missense changes on protein structure and function (SIFT, PolyPhen-2, Align-GVGD) all suggest that this variant is likely to be disruptive. This variant has not been reported in the literature in individuals affected with FLNB-related conditions. This variant is not present in population databases (ExAC no frequency). This sequence change replaces valine with glutamic acid at codon 1331 of the FLNB protein (p.Val1331Glu). The valine residue is highly conserved and there is a moderate physicochemical difference between valine and glutamic acid.

NM_001457.4(FLNB):c.3992T>A (p.Val1331Glu)

Gene: FLNB (filamin B; plus strand). Cytogenetic location: 3p14.3.
Variant type: single nucleotide variant.
Coding change: c.3992T>A on transcript NM_001457.4 (MANE Select); coding-DNA position 3992, T replaced by A.
Protein change: p.Val1331Glu; replaces valine 1331 with glutamic acid.
Molecular consequence: missense variant.
Genome position (GRCh38, 1-based): chr3:58,125,674, T>A. VCF-style: chr3-58125674-T-A. GRCh37 (hg19) VCF-style: chr3-58111401-T-A.
Other names: c.3992T>A, p.Val1331Glu (NM_001164317.2, NM_001164318.2, NM_001164319.2); short protein forms V1331E.
Identifiers: ClinVar variation 1429334 (VCV001429334.8), dbSNP rs2107184680, ClinGen allele CA353349956.